The following is an entry in ClinVar:

ClinVar aggregate classification (germline): Pathogenic (1 of 4 stars; one submission).

Conditions:
Inborn genetic diseases. Identifiers: MedGen C0950123, MeSH D030342.

Submission:

Ambry Genetics
Classification: Pathogenic for Inborn genetic diseases. Last evaluated: 2026-03-06. Review status: criteria provided, single submitter. Criteria: Ambry Variant Classification Scheme 2023. Collection method: clinical testing. Allele origin: germline.
Comment: The c.6952_6975dup24 (p.Q2318_Q2325dup) alteration is located in exon 47 (coding exon 47) of the CACNA1A gene. The alteration consists of an in-frame duplication of 24 nucleotides from position 6952 to 6975, resulting in the duplication of 8 amino acids from codons 2318 to 2325. for CACNA1A-related spinocerebellar ataxia; however, it is unlikely to be causative of CACNA1A-related neurologic disorders. This variant was not reported in population-based cohorts in the Genome Aggregation Database (gnomAD). This variant was identified in one or more individuals with features consistent with CACNA1A-related spinocerebellar ataxia and segregated with disease in at least one family (Hatano, 2025; Craig, 2008; Matsuyama, 1997). Note, this variant is also referred to as CAG 21 in the literature. This CAG repeat expansion is located in a region of the protein where CAG repeat expansions have been reported as disease-causing for CACNA1A-related spinocerebellar ataxia (Craig, 2008; Hatano, 2025). Based on the available evidence, this alteration is classified as pathogenic.

Literature cited by the submitters: PubMed 9259274; PubMed 18285829; PubMed 39996131.

NM_001127222.2(CACNA1A):c.6937CAG[21] (p.Gln2325_Ala2326insGlnGlnGlnGlnGlnGlnGlnGln)

Genes: CACNA1A (calcium voltage-gated channel subunit alpha1 A; minus strand), LOC108663985 (calcium voltage-gated channel subunit alpha1 A repeat instability region; plus strand). Cytogenetic location: 19p13.13.
Variant type: Microsatellite.
Coding change: c.6937CAG[21] on transcript NM_001127222.2 (MANE Select); 21 copies in a row of the 3-base unit CAG starting at c.6937; the reference has 13 copies in a row; eight copies, 24 bases duplicated.
Protein change: p.Gln2325_Ala2326insGlnGlnGlnGlnGlnGlnGlnGln.
Molecular consequence: 3 prime UTR variant (on NM_000068.4).
Genome position (GRCh38, 1-based): chr19:13,207,859-13,207,882, CTGCTGCTGCTGCTGCTGCTGCTG duplicated on the plus strand (CAGCAGCAGCAGCAGCAGCAGCAG on the coding strand, the reverse complement: CACNA1A is on the minus strand); duplicating any 24 consecutive bases within chr19:13,207,859-13,207,898 gives the same sequence; the position shown is the placement nearest the transcript's 3' end. VCF-style (leftmost placement, unchanged base first): chr19-13207858-C-CCTGCTGCTGCTGCTGCTGCTGCTG. GRCh37 (hg19) VCF-style: chr19-13318672-C-CCTGCTGCTGCTGCTGCTGCTGCTG.
Other names: c.*149CAG[21] (NM_000068.4, NM_001127221.2, NM_001174080.2); c.6955CAG[21], p.Gln2331_Ala2332insGlnGlnGlnGlnGlnGlnGlnGln (NM_023035.3).
Identifiers: ClinVar variation 4840209 (VCV004840209.1).